The following is an entry in ClinVar:

ClinVar aggregate classification (germline): Uncertain significance (1 of 4 stars; one submission).

gnomAD v4.1: 2 of 1,609,792 alleles (0.00012%); highest among the groups gnomAD compares: South Asian, 0.0011%; no homozygotes.

Submission:

Labcorp Genetics (formerly Invitae), Labcorp
Classification: Uncertain significance. Last evaluated: 2024-06-16. Review status: criteria provided, single submitter. Criteria: Invitae Variant Classification Sherloc (09022015). Collection method: clinical testing. Allele origin: germline.
Comment: This sequence change falls in intron 5 of the SLC10A2 gene. It does not directly change the encoded amino acid sequence of the SLC10A2 protein. It affects a nucleotide within the consensus splice site. This variant is not present in population databases (gnomAD no frequency). This variant has not been reported in the literature in individuals affected with SLC10A2-related conditions. Variants that disrupt the consensus splice site are a relatively common cause of aberrant splicing (PMID: 17576681, 9536098). Algorithms developed to predict the effect of sequence changes on RNA splicing suggest that this variant is not likely to affect RNA splicing. In summary, the available evidence is currently insufficient to determine the role of this variant in disease. Therefore, it has been classified as a Variant of Uncertain Significance.

Literature cited by the submitters: PubMed 17576681; PubMed 9536098.

NM_000452.3(SLC10A2):c.920-3T>C

Gene: SLC10A2 (solute carrier family 10 member 2; minus strand). Cytogenetic location: 13q33.1.
Variant type: single nucleotide variant.
Coding change: c.920-3T>C on transcript NM_000452.3 (MANE Select); 3 bases into the intron before coding-DNA position 920, T replaced by C.
Molecular consequence: intron variant.
Genome position (GRCh38, 1-based): chr13:103,046,263, A>G on the plus strand (T>C on the coding strand, the complement: SLC10A2 is on the minus strand). VCF-style: chr13-103046263-A-G. GRCh37 (hg19) VCF-style: chr13-103698613-A-G.
Identifiers: ClinVar variation 3656792 (VCV003656792.2).